The following is an entry in ClinVar:

NM_000551.4(VHL):c.497T>C (p.Val166Ala)

Genes: VHL (von Hippel-Lindau tumor suppressor; plus strand), LOC107303340 (3p25 von Hippel-Lindau tumor suppressor, E3 ubiquitin protein ligase Alu-mediated recombination region; plus strand). Cytogenetic location: 3p25.3.
Variant type: single nucleotide variant.
Coding change: c.497T>C on transcript NM_000551.4 (MANE Select); coding-DNA position 497, T replaced by C.
Protein change: p.Val166Ala; replaces valine 166 with alanine.
Molecular consequence: missense variant. On other transcripts: 3 prime UTR variant (1).
Genome position (GRCh38, 1-based): chr3:10,149,820, T>C. VCF-style: chr3-10149820-T-C. GRCh37 (hg19) VCF-style: chr3-10191504-T-C.
Other names: c.*51T>C (NM_001354723.2); c.374T>C, p.Val125Ala (NM_198156.3); short protein forms V166A, V125A.
Identifiers: ClinVar variation 43605 (VCV000043605.12), dbSNP rs397516445, ClinGen allele CA020442.

ClinVar aggregate classification (germline): Pathogenic/Likely pathogenic. Review status: criteria provided, multiple submitters, no conflicts (2 of 4 stars). 5 submissions from 5 submitters: Pathogenic (2); Likely pathogenic (1). 2 of the submissions do not count toward it. Last evaluated 2018-08-01.

Conditions:
Hereditary cancer-predisposing syndrome. Also called: Tumor predisposition; Neoplastic Syndromes, Hereditary; Hereditary neoplastic syndrome; Hereditary Cancer Syndrome. Identifiers: Orphanet 140162, MedGen C0027672, MeSH D009386, MONDO:0015356.
Von Hippel-Lindau syndrome (VHLS). Also called: Von Hippel-Lindau; VHL syndrome; von Hippel–Lindau syndrome. Identifiers: Orphanet 892, MedGen C0019562, MONDO:0008667, OMIM 193300. Disease mechanism: loss of function.

Submissions (5):

Genomic Diagnostic Laboratory, Division of Genomic Diagnostics, Children's Hospital of Philadelphia
Classification: Pathogenic for von Hippel-Lindau syndrome. Last evaluated: 2018-08-01. Review status: criteria provided, single submitter. Criteria: DGD Variant Analysis Guidelines. Collection method: clinical testing. Allele origin: germline. Affected: yes. Observed: 1 variant allele.

Ambry Genetics
Classification: Likely pathogenic for Hereditary cancer-predisposing syndrome. Last evaluated: 2018-03-07. Review status: criteria provided, single submitter. Criteria: Ambry Variant Classification Scheme 2023. Collection method: clinical testing. Allele origin: germline.
Comment: The p.V166A variant (also known as c.497T>C), located in coding exon 3 of the VHL gene, results from a T to C substitution at nucleotide position 497. The valine at codon 166 is replaced by alanine, an amino acid with similar properties. Another mutation at the same position, p.V166F, has been described in multiple individuals with a clinical diagnosis of Von Hippel-Lindau syndrome (Cruz JB et al, Arq Bras Endocrinol Metabol 2007 Dec; 51(9):1463-7; Gross DJ et al. J. Clin. Endocrinol. Metab. 1996 Jan; 81(1):147-9; Nordstrom-O'Brien M et al. Hum. Mutat. 2010 May;31(5):521-37; Maher ER et al. J. Med. Genet. 1996 Apr; 33(4):328-32). The p.V166A alteration is predicted to be possibly damaging and deleterious by PolyPhen and SIFT in silico analyses, respectively. In addition, this alteration is predicted to disrupt enlogin C interaction of pVHL (Forman JR et al. Proteins, 2009 Oct;77:84-96). Based on the majority of available evidence to date, this variant is likely to be pathogenic.

Laboratory for Molecular Medicine, Mass General Brigham Personalized Medicine
Classification: Pathogenic for Von Hippel-Lindau syndrome. Last evaluated: 2012-09-11. Review status: criteria provided, single submitter. Criteria: LMM Criteria. Collection method: clinical testing. Allele origin: germline. Observed: 1 variant allele.
Comment: Valine (Val) at position 166 is not evolutionarily co nserved in mammals (rabbit and pika have an isoleucine at this position), howeve r, a different amino acid change at this location (Val166Phe) has also been asso ciated with the clinical features of Von Hippel-Lindau syndrome (Maher 1996). Co mputational analyses (biochemical amino acid properties, conservation, AlignGVGD , PolyPhen2, and SIFT) do not provide strong support for or against an impact to the protein, but structural evidence suggests this amino acid plays an importan t role in VHL function (Stebbins 1999). In summary, this variant is highly likel y to be pathogenic based on its de novo occurrence in a patient with sporadic di sease.

Clinical Genetics DNA and cytogenetics Diagnostics Lab, Erasmus MC, Erasmus Medical Center
Classification: Pathogenic. Review status: no assertion criteria provided. Collection method: clinical testing. Allele origin: germline. Affected: yes. Study: VKGL Data-share Consensus. Not counted in ClinVar's aggregate classification.

Genome Diagnostics Laboratory, University Medical Center Utrecht
Classification: Pathogenic. Review status: no assertion criteria provided. Collection method: clinical testing. Allele origin: germline. Affected: yes. Study: VKGL Data-share Consensus. Not counted in ClinVar's aggregate classification.

Literature cited by the submitters: PubMed 17661816 (cited by Ambry Genetics and Laboratory for Molecular Medicine, Mass General Brigham Personalized Medicine); PubMed 19408298 (cited by Ambry Genetics); PubMed 10408776 (cited by Laboratory for Molecular Medicine, Mass General Brigham Personalized Medicine); PubMed 8730290 (cited by Laboratory for Molecular Medicine, Mass General Brigham Personalized Medicine).